The following is an entry in ClinVar:

ClinVar aggregate classification (germline): Benign/Likely benign. Review status: criteria provided, multiple submitters, no conflicts (2 of 4 stars). 5 submissions from 5 submitters: Benign (3); Likely benign (2). Last evaluated 2026-01-23.

Conditions:
Hereditary pulmonary alveolar proteinosis. Also called: Pulmonary surfactant metabolism dysfunction. Identifiers: Orphanet 264675, MedGen C3711368, MONDO:0012580.
Surfactant metabolism dysfunction, pulmonary, 1. Also called: INTERSTITIAL LUNG DISEASE DUE TO SURFACTANT PROTEIN B DEFICIENCY; INTERSTITIAL LUNG DISEASE, NONSPECIFIC, DUE TO SURFACTANT PROTEIN B DEFICIENCY; PULMONARY ALVEOLAR PROTEINOSIS, CONGENITAL, 1; Pulmonary surfactant protein B, deficiency of; Neonatal acute respiratory distress due to SP-B deficiency. Identifiers: Orphanet 217563, MedGen C1968602, MONDO:0009929, OMIM 265120.

Allele frequency attached by ClinVar (database versions not stated): 1000 Genomes Project 0.00699; 1000 Genomes Project 30x 0.00750; TOPMed 0.00868; ESP Exome Variant Server 0.00924.
gnomAD v4.1: 2,409 of 1,612,566 alleles (0.15%); highest among the groups gnomAD compares: African/African-American, 2.9%; 34 homozygotes.

Submissions (5):

Labcorp Genetics (formerly Invitae), Labcorp
Classification: Benign. Last evaluated: 2026-01-23. Review status: criteria provided, single submitter. Criteria: Invitae Variant Classification Sherloc (09022015). Collection method: clinical testing. Allele origin: germline.

GeneDx
Classification: Likely benign. Last evaluated: 2022-10-13. Review status: criteria provided, single submitter. Criteria: GeneDx Variant Classification Process June 2021. Collection method: clinical testing. Allele origin: germline. Affected: yes.
Comment: See Variant Classification Assertion Criteria.

Illumina Laboratory Services, Illumina
Classification: Benign for Surfactant metabolism dysfunction, pulmonary, 1. Last evaluated: 2018-01-12. Review status: criteria provided, single submitter. Criteria: ICSL Variant Classification Criteria 13 December 2019. Collection method: clinical testing. Allele origin: germline.
Comment: This variant was observed in the ICSL laboratory as part of a predisposition screen in an ostensibly healthy population. It had not been previously curated by ICSL or reported in the Human Gene Mutation Database (HGMD: prior to June 1st, 2018), and was therefore a candidate for classification through an automated scoring system. Utilizing variant allele frequency, disease prevalence and penetrance estimates, and inheritance mode, an automated score was calculated to assess if this variant is too frequent to cause the disease. Based on the score and internal cut-off values, a variant classified as benign is not then subjected to further curation. The score for this variant resulted in a classification of benign for this disease.

Ambry Genetics
Classification: Benign for Hereditary pulmonary alveolar proteinosis. Last evaluated: 2016-11-03. Review status: criteria provided, single submitter. Criteria: Ambry Variant Classification Scheme 2023. Collection method: clinical testing. Allele origin: germline.

Breakthrough Genomics
Classification: Likely benign. Review status: criteria provided, single submitter. Criteria: ACMG Guidelines, 2015. Collection method: not provided. Allele origin: germline. Inheritance: Autosomal recessive inheritance. Affected: yes.

NM_000542.5(SFTPB):c.815G>A (p.Arg272His)

Gene: SFTPB (surfactant protein B; minus strand). Cytogenetic location: 2p11.2.
Variant type: single nucleotide variant.
Coding change: c.815G>A on transcript NM_000542.5 (MANE Select); coding-DNA position 815, G replaced by A.
Protein change: p.Arg272His; replaces arginine 272 with histidine.
Molecular consequence: missense variant.
Genome position (GRCh38, 1-based): chr2:85,663,705, C>T on the plus strand (G>A on the coding strand, the complement: SFTPB is on the minus strand). VCF-style: chr2-85663705-C-T. GRCh37 (hg19) VCF-style: chr2-85890828-C-T.
Other names: c.815G>A, p.Arg272His (NM_001367281.2, NM_198843.4); short protein forms R272H.
Identifiers: ClinVar variation 337303 (VCV000337303.19), dbSNP rs3024809, ClinGen allele CA1743921.